The following is an entry in ClinVar:

NM_001286577.2(C2CD3):c.1737_1740del (p.Phe579fs)

Gene: C2CD3 (C2 domain containing 3 centriole elongation regulator; minus strand). Cytogenetic location: 11q13.4.
Variant type: Microsatellite.
Coding change: c.1737_1740del on transcript NM_001286577.2 (MANE Select); coding-DNA positions 1737 to 1740, 4 bases deleted (CTTT; older notation c.1737_1740delCTTT).
Protein change: p.Phe579fs; shifts the reading frame from phenylalanine 579.
Molecular consequence: frameshift variant.
Genome position (GRCh38, 1-based): chr11:74,113,883-74,113,886, AAAG deleted on the plus strand (CTTT on the coding strand, the reverse complement: C2CD3 is on the minus strand); deleting any 4 consecutive bases within chr11:74,113,883-74,113,890 gives the same sequence; the c. name uses the placement nearest the transcript's 3' end. VCF-style (leftmost placement, unchanged base first): chr11-74113882-CAAAG-C. GRCh37 (hg19) VCF-style: chr11-73824927-CAAAG-C.
Other names: c.1737_1740del, p.Phe579fs (NM_015531.6); short protein forms F579fs.
Identifiers: ClinVar variation 5019042 (VCV005019042.2).
Genomic context (GRCh38, chr11:74,113,882, plus strand): 5'-TGATCAAAGCTGTCTTTCCCAATCCGCTTTCCGAAAAGCCCACAGGAAAGTGATATTCTA[CAAAG>C]AAAGTGCTAAAAAGAAAAAAAAAGTGATTAAAAACTAACCAAACAATAAACCTAATTTCC-3'

ClinVar aggregate classification (germline): Likely pathogenic (1 of 4 stars; one submission).

Conditions:
Orofaciodigital syndrome type 14. Also called: Orofaciodigital syndrome xiv. Identifiers: Orphanet 434179, MedGen C4706604, MONDO:0014413, OMIM 615948.

Submission:

Juno Genomics, Hangzhou Juno Genomics, Inc
Classification: Likely pathogenic for Orofaciodigital syndrome type 14. Review status: criteria provided, single submitter. Criteria: ACMG Guidelines, 2015. Collection method: clinical testing. Allele origin: germline.
Comment: Absent from controls (or at extremely low frequency if recessive) in Genome Aggregation Database.;Null variant in a gene where loss of function (LOF) is a known mechanism of disease.